The following is an entry in ClinVar:

ClinVar aggregate classification (germline): Uncertain significance (1 of 4 stars; one submission).

Submission:

Ambry Genetics
Classification: Uncertain significance. Last evaluated: 2025-04-12. Review status: criteria provided, single submitter. Criteria: Ambry Variant Classification Scheme 2023. Collection method: clinical testing. Allele origin: germline.
Comment: The p.F1157I variant (also known as c.3469T>A), located in coding exon 14 of the WNK2 gene, results from a T to A substitution at nucleotide position 3469. The phenylalanine at codon 1157 is replaced by isoleucine, an amino acid with highly similar properties. This amino acid position is conserved. In addition, this alteration is predicted to be tolerated by in silico analysis. Based on the available evidence, the clinical significance of this variant remains unclear.

NM_006648.4(WNK2):c.3469T>A (p.Phe1157Ile)

Gene: WNK2 (WNK lysine deficient protein kinase 2; plus strand). Cytogenetic location: 9q22.31.
Variant type: single nucleotide variant.
Coding change: c.3469T>A on transcript NM_006648.4 (MANE Select); coding-DNA position 3469, T replaced by A.
Protein change: p.Phe1157Ile; replaces phenylalanine 1157 with isoleucine.
Molecular consequence: missense variant.
Genome position (GRCh38, 1-based): chr9:93,263,624, T>A. VCF-style: chr9-93263624-T-A. GRCh37 (hg19) VCF-style: chr9-96025906-T-A.
Other names: c.3469T>A, p.Phe1157Ile (NM_001282394.3); short protein forms F1157I.
Identifiers: ClinVar variation 3981867 (VCV003981867.1).
Genomic context (GRCh38, chr9:93,263,624, plus strand): 5'-AGCTATGGAGGTTCTGATGTCACTTCTGGAAAAGAGCTGAGTGACAGCTGTGAAGGCGCC[T>A]TTGGAGGGGGCAGGCTGGAGGGCAGGGCAGCCCGAAAACACCACCGCAGGTCCACGCGTG-3'
Protein context (NP_006639.3, residues 1147-1167): KELSDSCEGA[Phe1157Ile]GGGRLEGRAA